The following is an entry in ClinVar:

NM_017886.4(ULK4):c.2584C>T (p.Arg862Ter)

Gene: ULK4 (unc-51 like kinase 4; minus strand). Cytogenetic location: 3p22.1.
Variant type: single nucleotide variant.
Coding change: c.2584C>T on transcript NM_017886.4 (MANE Select); coding-DNA position 2584, C replaced by T.
Protein change: p.Arg862Ter; replaces arginine 862 with a stop codon.
Molecular consequence: nonsense. On other transcripts: non-coding transcript variant (1).
Genome position (GRCh38, 1-based): chr3:41,715,287, G>A on the plus strand (C>T on the coding strand, the complement: ULK4 is on the minus strand). VCF-style: chr3-41715287-G-A. GRCh37 (hg19) VCF-style: chr3-41756779-G-A.
Other names: c.2584C>T (NM_017886.3); c.2584C>T, p.Arg862Ter (NM_001322500.2); c.1678C>T, p.Arg560Ter (NM_001322501.2); short protein forms R862*, R560*.
Identifiers: ClinVar variation 224081 (VCV000224081.3), dbSNP rs199884004, ClinGen allele CA358644.
Genomic context (GRCh38, chr3:41,715,287, plus strand): 5'-TGTTACTCACAAGAATAGTTCCATAGCTGAAAAGAAACTCTTCTGTCACAACTTGAGGTC[G>A]AAATACCTGTGTGATGAGAGTTTCTACAGATTAAATTCTGGAAGCTATGTACAACGTTAG-3'

ClinVar aggregate classification (germline): Likely benign. Review status: criteria provided, single submitter (1 of 4 stars). 2 submissions from 2 submitters: Likely benign (1). 1 of the submissions does not count toward it. Last evaluated 2016-07-14.

Conditions:
ULK4-related disorder. Also called: ULK4-related condition.
Moderate intellectual disability. Also called: Moderae intellectual disability; Moderate ID. Identifiers: MedGen C0026351, HP:0002342.

Allele frequency attached by ClinVar (database versions not stated): ExAC 0.00269; gnomAD 0.00271 and 0.00282; ESP Exome Variant Server 0.00322; 1000 Genomes Project 30x 0.00016; gnomAD exomes 0.00284; 1000 Genomes Project 0.00020; TOPMed 0.00208.
gnomAD v4.1: 6,119 of 1,613,740 alleles (0.38%); highest among the groups gnomAD compares: Non-Finnish European, 0.45%; 24 homozygotes.

Submissions (2):

HudsonAlpha Institute for Biotechnology
Classification: Likely benign for Intellectual disability (moderate). Last evaluated: 2016-07-14. Review status: criteria provided, single submitter. Criteria: HA_assertions_20161101. Collection method: research. Allele origin: unknown. Affected: yes. Study: CSER-HudsonAlpha.

PreventionGenetics, part of Exact Sciences
Classification: Likely benign for ULK4-related condition. Last evaluated: 2022-07-14. Review status: no assertion criteria provided. Collection method: clinical testing. Allele origin: germline. Not counted in ClinVar's aggregate classification.
Comment: This variant is classified as likely benign based on ACMG/AMP sequence variant interpretation guidelines (Richards et al. 2015 PMID: 25741868, with internal and published modifications).